The following is an entry in ClinVar:

NM_001330724.2(CDKL2):c.754C>G (p.Arg252Gly)

Gene: CDKL2 (cyclin dependent kinase like 2; minus strand). Cytogenetic location: 4q21.1.
Variant type: single nucleotide variant.
Coding change: c.754C>G on transcript NM_001330724.2 (MANE Select); coding-DNA position 754, C replaced by G.
Protein change: p.Arg252Gly; replaces arginine 252 with glycine.
Molecular consequence: missense variant.
Genome position (GRCh38, 1-based): chr4:75,603,858, G>C on the plus strand (C>G on the coding strand, the complement: CDKL2 is on the minus strand). VCF-style: chr4-75603858-G-C. GRCh37 (hg19) VCF-style: chr4-76529042-G-C.
Other names: c.754C>G, p.Arg252Gly (NM_003948.5); short protein forms R252G.
Identifiers: ClinVar variation 4854570 (VCV004854570.1).

ClinVar aggregate classification (germline): Uncertain significance (1 of 4 stars; one submission).

Conditions:
CDKL2-related disorder.

Submission:

3billion
Classification: Uncertain significance for CDKL2-related disorder. Last evaluated: 2025-09-02. Review status: criteria provided, single submitter. Criteria: ACMG Guidelines, 2015. Collection method: clinical testing. Allele origin: germline. Affected: yes.
Comment: The variant is not observed in the gnomAD v4.1.0 dataset. Predicted Consequence/Location: Missense variant In silico tool predictions suggest no damaging effect of the variant on gene or gene product [REVEL: 0.18 (<0.4); 3Cnet: 0.00 (<0.1, specificity 0.84 and negative predicitive value 0.97)]. Different missense changes at the same codon have been reported as of uncertain significance (ClinVar ID: VCV002352173). Therefore, this variant is classified as VUS according to the recommendation of ACMG/AMP guideline.